The following is an entry in ClinVar:

ClinVar aggregate classification (germline): Uncertain significance (1 of 4 stars; one submission).

Conditions:
Cardiovascular phenotype. Identifiers: MedGen CN230736.

gnomAD v4.1: 1 of 1,613,952 alleles (0.000062%); highest among the groups gnomAD compares: African/African-American, 0.0013%; no homozygotes.

Submission:

Ambry Genetics
Classification: Uncertain significance for Cardiovascular phenotype. Last evaluated: 2026-02-28. Review status: criteria provided, single submitter. Criteria: Ambry Variant Classification Scheme 2023. Collection method: clinical testing. Allele origin: germline.
Comment: The p.D435G variant (also known as c.1304A>G), located in coding exon 9 of the CBL gene, results from an A to G substitution at nucleotide position 1304. The aspartic acid at codon 435 is replaced by glycine, an amino acid with similar properties. This amino acid position is conserved. In addition, the in silico prediction for this alteration is inconclusive. Based on the available evidence, the clinical significance of this variant remains unclear.

NM_005188.4(CBL):c.1304A>G (p.Asp435Gly)

Gene: CBL (Cbl proto-oncogene; plus strand). Cytogenetic location: 11q23.3.
Variant type: single nucleotide variant.
Coding change: c.1304A>G on transcript NM_005188.4 (MANE Select); coding-DNA position 1304, A replaced by G.
Protein change: p.Asp435Gly; replaces aspartic acid 435 with glycine.
Molecular consequence: missense variant.
Genome position (GRCh38, 1-based): chr11:119,278,586, A>G. VCF-style: chr11-119278586-A-G. GRCh37 (hg19) VCF-style: chr11-119149296-A-G.
Other names: short protein forms D435G.
Identifiers: ClinVar variation 4827362 (VCV004827362.1).